The following is an entry in ClinVar:

NM_000051.4(ATM):c.6381A>G (p.Ser2127=)

Genes: ATM (ATM serine/threonine kinase; plus strand), C11orf65 (chromosome 11 open reading frame 65; minus strand). Cytogenetic location: 11q22.3.
Variant type: single nucleotide variant.
Coding change: c.6381A>G on transcript NM_000051.4 (MANE Select); coding-DNA position 6381, A replaced by G.
Protein change: p.Ser2127=; no amino-acid change (serine 2127 retained).
Molecular consequence: synonymous variant. On other transcripts: intron variant (2).
Genome position (GRCh38, 1-based): chr11:108,319,987, A>G. VCF-style: chr11-108319987-A-G. GRCh37 (hg19) VCF-style: chr11-108190714-A-G.
Other names: c.6381A>G, p.Ser2127= (NM_001351834.2); c.641-10916T>C (NM_001330368.2); c.*39-10916T>C (NM_001351110.2).
Identifiers: ClinVar variation 512280 (VCV000512280.5), dbSNP rs1555116408, ClinGen allele CA476676071.
Genomic context (GRCh38, chr11:108,319,987, plus strand): 5'-TATTTTTTTCTTTGACTTATCTCACAGCAAAGAAGTAGAAGGAACCAGTTACCATGAATC[A>G]TTGTACAATGCTCTACAATCTCTAAGAGACAGAGAATTCTCTACATTTTATGAAAGTCTC-3'
Protein context (NP_000042.3, residues 2117-2137): KEVEGTSYHE[Ser2127=]LYNALQSLRD

ClinVar aggregate classification (germline): Benign/Likely benign. Review status: criteria provided, multiple submitters, no conflicts (2 of 4 stars). 3 submissions from 3 submitters: Benign (1); Likely benign (2). Last evaluated 2024-06-06.

Conditions:
Hereditary cancer-predisposing syndrome. Also called: Hereditary Cancer Syndrome; Neoplastic Syndromes, Hereditary; Tumor predisposition; Hereditary neoplastic syndrome. Identifiers: Orphanet 140162, MedGen C0027672, MeSH D009386, MONDO:0015356.
Familial cancer of breast. Also called: BREAST CANCER, FAMILIAL; Hereditary breast cancer; hereditary breast carcinoma. Identifiers: Orphanet 227535, MedGen C0346153, MONDO:0016419, OMIM 114480. Disease mechanism: loss of function.

Submissions (3):

Myriad Genetics, Inc.
Classification: Benign for Familial cancer of breast. Last evaluated: 2024-06-06. Review status: criteria provided, single submitter. Criteria: Myriad Autosomal Dominant, Autosomal Recessive and X-Linked Classification Criteria (2023). Collection method: clinical testing. Allele origin: unknown.
Comment: This variant is considered benign. This variant is a silent/synonymous amino acid change and it is not expected to impact splicing.

Ambry Genetics
Classification: Likely benign for Hereditary cancer-predisposing syndrome. Last evaluated: 2024-05-07. Review status: criteria provided, single submitter. Criteria: Ambry Variant Classification Scheme 2023. Collection method: clinical testing. Allele origin: germline.

GeneDx
Classification: Likely benign. Last evaluated: 2017-09-21. Review status: criteria provided, single submitter. Criteria: GeneDx Variant Classification (06012015). Collection method: clinical testing. Allele origin: germline. Affected: yes.
Comment: This variant is considered likely benign or benign based on one or more of the following criteria: it is a conservative change, it occurs at a poorly conserved position in the protein, it is predicted to be benign by multiple in silico algorithms, and/or has population frequency not consistent with disease.